The following is an entry in ClinVar:

NM_000426.4(LAMA2):c.5765C>T (p.Thr1922Ile)

Gene: LAMA2 (laminin subunit alpha 2; plus strand). Cytogenetic location: 6q22.33.
Variant type: single nucleotide variant.
Coding change: c.5765C>T on transcript NM_000426.4 (MANE Select); coding-DNA position 5765, C replaced by T.
Protein change: p.Thr1922Ile; replaces threonine 1922 with isoleucine.
Molecular consequence: missense variant.
Genome position (GRCh38, 1-based): chr6:129,403,859, C>T. VCF-style: chr6-129403859-C-T. GRCh37 (hg19) VCF-style: chr6-129725004-C-T.
Other names: p.Thr1922Ile; c.5765C>T, p.Thr1922Ile (NM_001079823.2); short protein forms T1922I.
Identifiers: ClinVar variation 1910934 (VCV001910934.10), dbSNP rs751682186, ClinGen allele CA3993985.
Genomic context (GRCh38, chr6:129,403,859, plus strand): 5'-CTTTTTTGAATCATCCCACCAGAATCCTTGATGAGGCTAAAAACATCTCCTTCAATGCCA[C>T]TGCAGCCTTCAAAGCTTACAGCAATATTAAGGACTATATTGATGAAGCTGAGAAAGTTGC-3'
Protein context (NP_000417.3, residues 1912-1932): DEAKNISFNA[Thr1922Ile]AAFKAYSNIK

ClinVar aggregate classification (germline): Uncertain significance. Review status: criteria provided, multiple submitters, no conflicts (2 of 4 stars). 6 submissions from 6 submitters: Uncertain significance (6). Last evaluated 2025-08-14.

Conditions:
LAMA2-related disorder. Also called: LAMA2-related disorders; LAMA2-related condition.
Inborn genetic diseases. Identifiers: MedGen C0950123, MeSH D030342.
LAMA2-related muscular dystrophy (LAMA2-RD). Also called: Laminin alpha 2-related dystrophy. Identifiers: MedGen C5679788, MONDO:0100228.

Allele frequency attached by ClinVar (database versions not stated): TOPMed below 0.00001; ExAC 0.00001; gnomAD 0.00001; gnomAD exomes 0.00001.
gnomAD v4.1: 24 of 1,613,724 alleles (0.0015%); highest among the groups gnomAD compares: Non-Finnish European, 0.0019%; no homozygotes.

Submissions (6):

Ambry Genetics
Classification: Uncertain significance for Inborn genetic diseases. Last evaluated: 2025-08-14. Review status: criteria provided, single submitter. Criteria: Ambry Variant Classification Scheme 2023. Collection method: clinical testing. Allele origin: germline.

PreventionGenetics, part of Exact Sciences
Classification: Uncertain significance for LAMA2-related condition. Last evaluated: 2024-10-10. Review status: criteria provided, single submitter. Criteria: ACMG Guidelines, 2015. Collection method: clinical testing. Allele origin: germline.
Comment: The LAMA2 c.5765C>T variant is predicted to result in the amino acid substitution p.Thr1922Ile. To our knowledge, this variant has not been reported in the literature. This variant is reported in 0.00088% of alleles in individuals of European (Non-Finnish) descent in gnomAD. At this time, the clinical significance of this variant is uncertain due to the absence of conclusive functional and genetic evidence.

Blueprint Genetics
Classification: Uncertain significance. Last evaluated: 2023-10-19. Review status: criteria provided, single submitter. Criteria: ACMG Guidelines, 2015. Collection method: clinical testing. Allele origin: germline.

Mayo Clinic Laboratories, Mayo Clinic
Classification: Uncertain significance. Last evaluated: 2023-05-02. Review status: criteria provided, single submitter. Criteria: ACMG Guidelines, 2015. Collection method: clinical testing. Allele origin: germline. Observed: 1 variant allele.
Comment: PM2

Revvity Omics, Revvity
Classification: Uncertain significance. Last evaluated: 2023-02-28. Review status: criteria provided, single submitter. Criteria: ACMG Guidelines, 2015. Collection method: clinical testing. Allele origin: germline.

Labcorp Genetics (formerly Invitae), Labcorp
Classification: Uncertain significance for LAMA2-related muscular dystrophy. Last evaluated: 2022-04-01. Review status: criteria provided, single submitter. Criteria: Invitae Variant Classification Sherloc (09022015). Collection method: clinical testing. Allele origin: germline.
Comment: This sequence change replaces threonine, which is neutral and polar, with isoleucine, which is neutral and non-polar, at codon 1922 of the LAMA2 protein (p.Thr1922Ile). This variant is present in population databases (rs751682186, gnomAD 0.002%). This variant has not been reported in the literature in individuals affected with LAMA2-related conditions. Advanced modeling of protein sequence and biophysical properties (such as structural, functional, and spatial information, amino acid conservation, physicochemical variation, residue mobility, and thermodynamic stability) performed at Invitae indicates that this missense variant is not expected to disrupt LAMA2 protein function. Algorithms developed to predict the effect of sequence changes on RNA splicing suggest that this variant may create or strengthen a splice site. In summary, the available evidence is currently insufficient to determine the role of this variant in disease. Therefore, it has been classified as a Variant of Uncertain Significance.